The following is an entry in ClinVar:

ClinVar aggregate classification (germline): Pathogenic/Likely pathogenic. Review status: criteria provided, multiple submitters, no conflicts (2 of 4 stars). 2 submissions from 2 submitters: Pathogenic (1); Likely pathogenic (1). Last evaluated 2025-05-02.

Conditions:
Spermatogenic failure 65 (SPGF65). Identifiers: MedGen C5562067, MONDO:0030531, OMIM 619712.

Allele frequency attached by ClinVar (database versions not stated): gnomAD exomes 0.00004; TOPMed 0.00004; ExAC 0.00001; gnomAD 0.00004.
gnomAD v4.1: 69 of 1,611,950 alleles (0.0043%); highest among the groups gnomAD compares: Non-Finnish European, 0.0054%; no homozygotes.

Submissions (2):

First Genomix Gene Laboratory, Genetic Diagnostics Department
Classification: Likely pathogenic for Spermatogenic failure 65. Last evaluated: 2025-05-02. Review status: criteria provided, single submitter. Criteria: ACMG Guidelines, 2015. Collection method: clinical testing. Allele origin: germline. Inheritance: Autosomal recessive inheritance. Affected: no. Observed: 1 variant allele.

Labcorp Genetics (formerly Invitae), Labcorp
Classification: Pathogenic. Last evaluated: 2022-06-28. Review status: criteria provided, single submitter. Criteria: Invitae Variant Classification Sherloc (09022015). Collection method: clinical testing. Allele origin: germline.
Comment: This sequence change creates a premature translational stop signal (p.Arg3978*) in the DNHD1 gene. It is expected to result in an absent or disrupted protein product. Loss-of-function variants in DNHD1 are known to be pathogenic (PMID: 34932939). This variant is present in population databases (rs757652435, gnomAD 0.01%). This variant has not been reported in the literature in individuals affected with DNHD1-related conditions. For these reasons, this variant has been classified as Pathogenic.

Literature cited by the submitters: PubMed 34932939 (cited by Labcorp Genetics (formerly Invitae), Labcorp).

NM_144666.3(DNHD1):c.11932C>T (p.Arg3978Ter)

Gene: DNHD1 (dynein heavy chain domain 1; plus strand). Cytogenetic location: 11p15.4.
Variant type: single nucleotide variant.
Coding change: c.11932C>T on transcript NM_144666.3 (MANE Select); coding-DNA position 11932, C replaced by T.
Protein change: p.Arg3978Ter; replaces arginine 3978 with a stop codon.
Molecular consequence: nonsense.
Genome position (GRCh38, 1-based): chr11:6,567,441, C>T. VCF-style: chr11-6567441-C-T. GRCh37 (hg19) VCF-style: chr11-6588671-C-T.
Other names: short protein forms R3978*.
Identifiers: ClinVar variation 2056972 (VCV002056972.2), dbSNP rs757652435, ClinGen allele CA5856755.